The following is an entry in ClinVar:

NM_002439.5(MSH3):c.3302+1G>A

Gene: MSH3 (mutS homolog 3; plus strand). Cytogenetic location: 5q14.1.
Variant type: single nucleotide variant.
Coding change: c.3302+1G>A on transcript NM_002439.5 (MANE Select); the canonical splice donor site of the intron after coding-DNA position 3302, G replaced by A.
Molecular consequence: splice donor variant.
Genome position (GRCh38, 1-based): chr5:80,873,288, G>A. VCF-style: chr5-80873288-G-A. GRCh37 (hg19) VCF-style: chr5-80169107-G-A.
Identifiers: ClinVar variation 2673487 (VCV002673487.1), dbSNP rs1376348767, ClinGen allele CA360347222.

ClinVar aggregate classification (germline): Likely pathogenic (1 of 4 stars; one submission).

Conditions:
Familial adenomatous polyposis 4 (FAP4). Also called: MSH3-related attenuated familial adenomatous polyposis. Identifiers: Orphanet 480536, MedGen C4310719, MONDO:0044300, OMIM 617100.

Submission:

Myriad Genetics, Inc.
Classification: Likely pathogenic for Familial adenomatous polyposis 4. Last evaluated: 2023-08-31. Review status: criteria provided, single submitter. Criteria: Myriad Autosomal Dominant, Autosomal Recessive and X-Linked Classification Criteria (2023). Collection method: clinical testing. Allele origin: unknown.
Comment: This variant is considered likely pathogenic. This variant occurs within a consensus splice junction and is predicted to result in abnormal mRNA splicing of either an out-of-frame exon or an in-frame exon necessary for protein stability and/or normal function.